The following is an entry in ClinVar:

NM_020778.5(ALPK3):c.4436G>A (p.Arg1479Gln)

Gene: ALPK3 (alpha kinase 3; plus strand). Cytogenetic location: 15q25.3.
Variant type: single nucleotide variant.
Coding change: c.4436G>A on transcript NM_020778.5 (MANE Select); coding-DNA position 4436, G replaced by A.
Protein change: p.Arg1479Gln; replaces arginine 1479 with glutamine.
Molecular consequence: missense variant.
Genome position (GRCh38, 1-based): chr15:84,863,577, G>A. VCF-style: chr15-84863577-G-A. GRCh37 (hg19) VCF-style: chr15-85406808-G-A.
Other names: short protein forms R1479Q.
Identifiers: ClinVar variation 1514437 (VCV001514437.9), dbSNP rs759101150, ClinGen allele CA7709969.

ClinVar aggregate classification (germline): Uncertain significance. Review status: criteria provided, multiple submitters, no conflicts (2 of 4 stars). 2 submissions from 2 submitters: Uncertain significance (2). Last evaluated 2025-06-23.

Conditions:
Cardiovascular phenotype. Identifiers: MedGen CN230736.

Allele frequency attached by ClinVar (database versions not stated): gnomAD 0.00003; ExAC 0.00005.
gnomAD v4.1: 20 of 1,613,896 alleles (0.0012%); highest among the groups gnomAD compares: East Asian, 0.0089%; no homozygotes.

Submissions (2):

Ambry Genetics
Classification: Uncertain significance for Cardiovascular phenotype. Last evaluated: 2025-06-23. Review status: criteria provided, single submitter. Criteria: Ambry Variant Classification Scheme 2023. Collection method: clinical testing. Allele origin: germline.
Comment: The p.R1681Q variant (also known as c.5042G>A), located in coding exon 11 of the ALPK3 gene, results from a G to A substitution at nucleotide position 5042. The arginine at codon 1681 is replaced by glutamine, an amino acid with highly similar properties. This amino acid position is conserved. In addition, this alteration is predicted to be tolerated by in silico analysis. Since supporting evidence is limited at this time, the clinical significance of this alteration remains unclear.

Labcorp Genetics (formerly Invitae), Labcorp
Classification: Uncertain significance. Last evaluated: 2025-05-29. Review status: criteria provided, single submitter. Criteria: Invitae Variant Classification Sherloc (09022015). Collection method: clinical testing. Allele origin: germline.
Comment: This sequence change replaces arginine, which is basic and polar, with glutamine, which is neutral and polar, at codon 1681 of the ALPK3 protein (p.Arg1681Gln). This variant is present in population databases (rs759101150, gnomAD 0.005%). This variant has not been reported in the literature in individuals affected with ALPK3-related conditions. ClinVar contains an entry for this variant (Variation ID: 1514437). Invitae Evidence Modeling of protein sequence and biophysical properties (such as structural, functional, and spatial information, amino acid conservation, physicochemical variation, residue mobility, and thermodynamic stability) indicates that this missense variant is expected to disrupt ALPK3 protein function with a positive predictive value of 80%. In summary, the available evidence is currently insufficient to determine the role of this variant in disease. Therefore, it has been classified as a Variant of Uncertain Significance.